The following is an entry in ClinVar:

ClinVar aggregate classification (germline): Uncertain significance (1 of 4 stars; one submission).

Submission:

GeneDx
Classification: Uncertain significance. Last evaluated: 2025-01-13. Review status: criteria provided, single submitter. Criteria: GeneDx Variant Classification Process June 2021. Collection method: clinical testing. Allele origin: germline. Affected: yes.
Comment: Not observed at significant frequency in large population cohorts (gnomAD); Nonsense variant predicted to result in protein truncation or nonsense mediated decay in a gene or region of a gene for which loss of function is not a well-established mechanism of disease; Has not been previously published as pathogenic or benign to our knowledge; Variants in candidate genes are classified as variants of uncertain significance in accordance with ACMG guidelines (PMID: 25741868)

NM_003750.4(EIF3A):c.470dup (p.Tyr157Ter)

Gene: EIF3A (eukaryotic translation initiation factor 3 subunit A; minus strand). Cytogenetic location: 10q26.11.
Variant type: Duplication.
Coding change: c.470dup on transcript NM_003750.4 (MANE Select); coding-DNA position 470, one base duplicated (A; older notation c.470dupA).
Protein change: p.Tyr157Ter; replaces tyrosine 157 with a stop codon.
Molecular consequence: nonsense.
Genome position (GRCh38, 1-based): chr10:119,072,961, T duplicated on the plus strand (A on the coding strand, the reverse complement: EIF3A is on the minus strand). VCF-style (leftmost placement, unchanged base first): chr10-119072960-G-GT. GRCh37 (hg19) VCF-style: chr10-120832472-G-GT.
Other names: short protein forms Y157*.
Identifiers: ClinVar variation 4529752 (VCV004529752.1).
Genomic context (GRCh38, chr10:119,072,960, plus strand): 5'-AATATCATGGTACAGGCGCTCTACTCTAGAATTGTTTCTAAGAAGGTCCAAACACTGCCT[G>GT]TAAGACTCCCACAGGAATTTAACCCATGGAGTTAAAAGTAATCTGTCAGTACGATCCTGA-3'